The following is an entry in ClinVar:

NM_001206744.2(TPO):c.2619G>A (p.Trp873Ter)

Genes: LALTOP (lung cancer associated lncRNA targeting TOP2A; minus strand), TPO (thyroid peroxidase; plus strand), LOC126806104 (CDK7 strongly-dependent group 2 enhancer GRCh37_chr2:1544276-1545475; plus strand). Cytogenetic location: 2p25.3.
Variant type: single nucleotide variant.
Coding change: c.2619G>A on transcript NM_001206744.2 (MANE Select); coding-DNA position 2619, G replaced by A.
Protein change: p.Trp873Ter; replaces tryptophan 873 with a stop codon.
Molecular consequence: nonsense.
Genome position (GRCh38, 1-based): chr2:1,540,594, G>A. VCF-style: chr2-1540594-G-A. GRCh37 (hg19) VCF-style: chr2-1544366-G-A.
Other names: c.2619G>A, p.Trp873Ter (NM_000547.6); c.2448G>A, p.Trp816Ter (NM_001206745.2, NM_175719.4); c.2487G>A, p.Trp829Ter (NM_175721.3); c.2100G>A, p.Trp700Ter (NM_175722.3); short protein forms W700*, W816*, W829*, W873*.
Identifiers: ClinVar variation 2664755 (VCV002664755.5), dbSNP rs140731896, ClinGen allele CA1512228.
Genomic context (GRCh38, chr2:1,540,594, plus strand): 5'-TACCCTCCACAGTCACGGTGCCGGACCCTCTCCCGATAACTGGACACGTGTCTCCCACAG[G>A]ACACGCACTGGCACTAAATCCACACTGCCCATCTCGGAGACAGGCGGAGGAACTCCCGAG-3'

ClinVar aggregate classification (germline): Pathogenic/Likely pathogenic. Review status: criteria provided, multiple submitters, no conflicts (2 of 4 stars). 2 submissions from 2 submitters: Pathogenic (1); Likely pathogenic (1). Last evaluated 2023-09-26.

Conditions:
Deficiency of iodide peroxidase (TDH2A). Also called: Thyroid dyshormonogenesis 2A; HYPOTHYROIDISM, CONGENITAL, DUE TO DYSHORMONOGENESIS, 2A; IODIDE PEROXIDASE DEFICIENCY; THYROID HORMONOGENESIS, GENETIC DEFECT IN, 2A; THYROID PEROXIDASE DEFICIENCY. Identifiers: Orphanet 95716, MedGen C1291299, MONDO:0010133, OMIM 274500.

gnomAD v4.1: 20 of 1,613,138 alleles (0.0012%); highest among the groups gnomAD compares: Non-Finnish European, 0.0016%; no homozygotes.

Submissions (2):

Labcorp Genetics (formerly Invitae), Labcorp
Classification: Pathogenic. Last evaluated: 2023-09-26. Review status: criteria provided, single submitter. Criteria: Invitae Variant Classification Sherloc (09022015). Collection method: clinical testing. Allele origin: germline.
Comment: This sequence change creates a premature translational stop signal (p.Trp873*) in the TPO gene. It is expected to result in an absent or disrupted protein product. Loss-of-function variants in TPO are known to be pathogenic (PMID: 11061528, 23236987, 25564141). This variant is present in population databases (rs140731896, gnomAD 0.007%). This premature translational stop signal has been observed in individual(s) with congenital hypothyroidism (PMID: 19243353). Algorithms developed to predict the effect of sequence changes on RNA splicing suggest that this variant may disrupt the consensus splice site. For these reasons, this variant has been classified as Pathogenic.

Genetics and Molecular Pathology, SA Pathology
Classification: Likely pathogenic for Deficiency of iodide peroxidase. Last evaluated: 2022-04-22. Review status: criteria provided, single submitter. Criteria: ACMG Guidelines, 2015. Collection method: clinical testing. Allele origin: germline. Inheritance: Autosomal recessive inheritance. Affected: yes.

Literature cited by the submitters: PubMed 11061528 (cited by Labcorp Genetics (formerly Invitae), Labcorp); PubMed 23236987 (cited by Labcorp Genetics (formerly Invitae), Labcorp); PubMed 25564141 (cited by Labcorp Genetics (formerly Invitae), Labcorp); PubMed 19243353 (cited by Labcorp Genetics (formerly Invitae), Labcorp).